The following is an entry in ClinVar:

NM_000243.3(MEFV):c.2204C>T (p.Thr735Ile)

Gene: MEFV (MEFV innate immunity regulator, pyrin; minus strand). Cytogenetic location: 16p13.3.
Variant type: single nucleotide variant.
Coding change: c.2204C>T on transcript NM_000243.3 (MANE Select); coding-DNA position 2204, C replaced by T.
Protein change: p.Thr735Ile; replaces threonine 735 with isoleucine.
Molecular consequence: missense variant. On other transcripts: 3 prime UTR variant (1).
Genome position (GRCh38, 1-based): chr16:3,243,283, G>A on the plus strand (C>T on the coding strand, the complement: MEFV is on the minus strand). VCF-style: chr16-3243283-G-A. GRCh37 (hg19) VCF-style: chr16-3293283-G-A.
Other names: c.*408C>T (NM_001198536.2); short protein forms T735I.
Identifiers: ClinVar variation 1057455 (VCV001057455.9), dbSNP rs1958885115, ClinGen allele CA394485291.

ClinVar aggregate classification (germline): Uncertain significance (1 of 4 stars; one submission).

Conditions:
Familial Mediterranean fever (FMF). Also called: POLYSEROSITIS, FAMILIAL PAROXYSMAL; POLYSEROSITIS, RECURRENT; Periodic peritonitis; Benign paroxysmal peritonitis. Identifiers: Orphanet 342, MedGen C0031069, MONDO:0018088, OMIM 249100. Disease mechanism: gain of function.

Allele frequency attached by ClinVar (database versions not stated): gnomAD exomes 0.00001.
gnomAD v4.1: 6 of 1,614,184 alleles (0.00037%); highest among the groups gnomAD compares: Non-Finnish European, 0.00051%; no homozygotes.

Submission:

Labcorp Genetics (formerly Invitae), Labcorp
Classification: Uncertain significance for Familial Mediterranean fever. Last evaluated: 2020-08-10. Review status: criteria provided, single submitter. Criteria: Invitae Variant Classification Sherloc (09022015). Collection method: clinical testing. Allele origin: germline.
Comment: In summary, the available evidence is currently insufficient to determine the role of this variant in disease. Therefore, it has been classified as a Variant of Uncertain Significance. Algorithms developed to predict the effect of missense changes on protein structure and function are either unavailable or do not agree on the potential impact of this missense change (SIFT: "Tolerated"; PolyPhen-2: "Probably Damaging"; Align-GVGD: "Class C0"). This variant has not been reported in the literature in individuals with MEFV-related conditions. This variant is not present in population databases (ExAC no frequency). This sequence change replaces threonine with isoleucine at codon 735 of the MEFV protein (p.Thr735Ile). The threonine residue is moderately conserved and there is a moderate physicochemical difference between threonine and isoleucine.